The following is an entry in ClinVar:

ClinVar aggregate classification (germline): Benign (1 of 4 stars; one submission).

Conditions:
Hereditary spastic paraplegia 48. Also called: SPASTIC PARAPLEGIA 48, AUTOSOMAL RECESSIVE; Spastic paraplegia 48. Identifiers: Orphanet 306511, MedGen C3150901, MONDO:0013342, OMIM 613647.

Allele frequency attached by ClinVar (database versions not stated): 1000 Genomes Project 0.02895; 1000 Genomes Project 30x 0.03045; TOPMed 0.03422; gnomAD 0.03480 and 0.03590; gnomAD exomes 0.06000.
gnomAD v4.1: 5,489 of 152,328 alleles (3.6%); highest among the groups gnomAD compares: Middle Eastern, 11%; 141 homozygotes.

Submission:

Illumina Laboratory Services, Illumina
Classification: Benign for Hereditary spastic paraplegia 48. Last evaluated: 2017-04-27. Review status: criteria provided, single submitter. Criteria: ICSL Variant Classification Criteria 13 December 2019. Collection method: clinical testing. Allele origin: germline.
Comment: This variant was observed as part of a predisposition screen in an ostensibly healthy population. A literature search was performed for the gene, cDNA change, and amino acid change (where applicable). No publications were found based on this search. Allele frequency data from public databases was too high to be consistent with this variant causing disease. Therefore, this variant is classified as benign.

NM_014855.3(AP5Z1):c.*2841A>G

Gene: AP5Z1 (adaptor related protein complex 5 subunit zeta 1; plus strand). Cytogenetic location: 7p22.1.
Variant type: single nucleotide variant.
Coding change: c.*2841A>G on transcript NM_014855.3 (MANE Select); 2841 bases downstream of the stop codon, A replaced by G.
Molecular consequence: 3 prime UTR variant. On other transcripts: non-coding transcript variant (1).
Genome position (GRCh38, 1-based): chr7:4,794,226, A>G. VCF-style: chr7-4794226-A-G. GRCh37 (hg19) VCF-style: chr7-4833857-A-G.
Other names: c.*2841A>G (NM_001364858.1).
Identifiers: ClinVar variation 908343 (VCV000908343.4), dbSNP rs62453211, ClinGen allele CA12579413.